The following is an entry in ClinVar:

NM_021830.5(TWNK):c.478C>T (p.Arg160Ter)

Gene: TWNK (twinkle mtDNA helicase; plus strand). Cytogenetic location: 10q24.31.
Variant type: single nucleotide variant.
Coding change: c.478C>T on transcript NM_021830.5 (MANE Select); coding-DNA position 478, C replaced by T.
Protein change: p.Arg160Ter; replaces arginine 160 with a stop codon.
Molecular consequence: nonsense. On other transcripts: non-coding transcript variant (4), intron variant (3).
Genome position (GRCh38, 1-based): chr10:100,988,688, C>T. VCF-style: chr10-100988688-C-T. GRCh37 (hg19) VCF-style: chr10-102748445-C-T.
Other names: c.478C>T, p.Arg160Ter (NM_001163812.2); c.-119-956C>T (NM_001163814.2, NM_001163813.2); c.-57-1018C>T (NM_001368275.1); short protein forms R160*.
Identifiers: ClinVar variation 1344254 (VCV001344254.4), dbSNP rs1851660058, ClinGen allele CA378207467.

ClinVar aggregate classification (germline): Conflicting classifications of pathogenicity. Review status: criteria provided, conflicting classifications (1 of 4 stars). 2 submissions from 2 submitters: Pathogenic (1); Uncertain significance (1). Last evaluated 2025-01-09.

Conditions:
Perrault syndrome 5 (PRLTS5). Identifiers: Orphanet 2855, MedGen C4015307, MONDO:0014504, OMIM 616138.
Hereditary spastic paraplegia. Also called: Familial spastic paraparesis. Identifiers: Orphanet 685, MedGen C0037773, MONDO:0019064. Disease mechanism: loss of function.

Submissions (2):

Institute of Rare Diseases, West China Hospital, Sichuan University
Classification: Pathogenic for Perrault syndrome 5. Last evaluated: 2025-01-09. Review status: criteria provided, single submitter. Criteria: ClinGen HL ACMG Specifications v1. Collection method: research. Allele origin: germline. Affected: yes.
Comment: PVS1;PM3;PM2_Supporting

Genome Diagnostics Laboratory, The Hospital for Sick Children
Classification: Uncertain significance for Hereditary spastic paraplegia. Last evaluated: 2019-01-01. Review status: criteria provided, single submitter. Criteria: ACMG Guidelines, 2015. Collection method: clinical testing. Allele origin: germline. Affected: yes.